The following is an entry in ClinVar:

ClinVar aggregate classification (germline): Benign. Review status: criteria provided, multiple submitters, no conflicts (2 of 4 stars). 3 submissions from 3 submitters: Benign (3). Last evaluated 2018-06-18.

Allele frequency attached by ClinVar (database versions not stated): gnomAD 0.16389 and 0.16447; TOPMed 0.18032; 1000 Genomes Project 30x 0.26515; ExAC 0.12557; 1000 Genomes Project 0.26498; gnomAD exomes 0.06790 and 0.11971; ESP Exome Variant Server 0.15072.
gnomAD v4.1: 124,975 of 1,609,970 alleles (7.8%); highest among the groups gnomAD compares: African/African-American, 41%; 12,357 homozygotes.

Submissions (3):

GeneDx
Classification: Benign. Last evaluated: 2018-06-18. Review status: criteria provided, single submitter. Criteria: GeneDx Variant Classification (06012015). Collection method: clinical testing. Allele origin: germline. Affected: yes.
Comment: This variant is considered likely benign or benign based on one or more of the following criteria: it is a conservative change, it occurs at a poorly conserved position in the protein, it is predicted to be benign by multiple in silico algorithms, and/or has population frequency not consistent with disease.

Breakthrough Genomics
Classification: Benign. Review status: criteria provided, single submitter. Criteria: ACMG Guidelines, 2015. Collection method: not provided. Allele origin: germline. Inheritance: Autosomal dominant inheritance. Affected: yes.

PreventionGenetics, part of Exact Sciences
Classification: Benign. Review status: criteria provided, single submitter. Criteria: ACMG Guidelines, 2015. Collection method: clinical testing. Allele origin: germline.

NM_001458.5(FLNC):c.1814-28T>C

Gene: FLNC (filamin C; plus strand). Cytogenetic location: 7q32.1.
Variant type: single nucleotide variant.
Coding change: c.1814-28T>C on transcript NM_001458.5 (MANE Select); 28 bases into the intron before coding-DNA position 1814, T replaced by C.
Molecular consequence: intron variant.
Genome position (GRCh38, 1-based): chr7:128,841,142, T>C. VCF-style: chr7-128841142-T-C. GRCh37 (hg19) VCF-style: chr7-128481196-T-C.
Other names: c.1814-28T>C (NM_001127487.2).
Identifiers: ClinVar variation 258128 (VCV000258128.3), dbSNP rs2291565, ClinGen allele CA4474500.